The following is an entry in ClinVar:

NM_001256317.3(TMPRSS3):c.*53G>A

Gene: TMPRSS3 (transmembrane serine protease 3; minus strand). Cytogenetic location: 21q22.3.
Variant type: single nucleotide variant.
Coding change: c.*53G>A on transcript NM_001256317.3 (MANE Select); 53 bases downstream of the stop codon, G replaced by A.
Molecular consequence: 3 prime UTR variant.
Genome position (GRCh38, 1-based): chr21:42,372,709, C>T on the plus strand (G>A on the coding strand, the complement: TMPRSS3 is on the minus strand). VCF-style: chr21-42372709-C-T. GRCh37 (hg19) VCF-style: chr21-43792818-C-T.
Other names: c.*53G>A (NM_024022.4, NM_032404.3).
Identifiers: ClinVar variation 897375 (VCV000897375.6), dbSNP rs137903612, ClinGen allele CA10042210.

ClinVar aggregate classification (germline): Conflicting classifications of pathogenicity. Review status: criteria provided, conflicting classifications (1 of 4 stars). 2 submissions from 2 submitters: Uncertain significance (1); Likely benign (1). Last evaluated 2020-06-16.

Conditions:
Autosomal recessive nonsyndromic hearing loss 8 (DFNB8). Also called: NEUROSENSORY NONSYNDROMIC RECESSIVE DEAFNESS 8; Deafness, autosomal recessive 10. Identifiers: Orphanet 90636, MedGen C1832827, MONDO:0010987, OMIM 601072.

Allele frequency attached by ClinVar (database versions not stated): gnomAD 0.00026 and 0.00037; gnomAD exomes 0.00040 and 0.00076; TOPMed 0.00047; ExAC 0.00084; 1000 Genomes Project 0.00140; 1000 Genomes Project 30x 0.00141.
gnomAD v4.1: 642 of 1,604,060 alleles (0.04%); highest among the groups gnomAD compares: East Asian, 1.1%; 7 homozygotes.

Submissions (2):

GeneDx
Classification: Likely benign. Last evaluated: 2020-06-16. Review status: criteria provided, single submitter. Criteria: GeneDx Variant Classification Process June 2021. Collection method: clinical testing. Allele origin: germline. Affected: yes.

Illumina Laboratory Services, Illumina
Classification: Uncertain significance for Autosomal recessive nonsyndromic hearing loss 8. Last evaluated: 2017-04-27. Review status: criteria provided, single submitter. Criteria: ICSL Variant Classification Criteria 13 December 2019. Collection method: clinical testing. Allele origin: germline.
Comment: This variant was observed as part of a predisposition screen in an ostensibly healthy population. A literature search was performed for the gene, cDNA change, and amino acid change (where applicable). Publications were found based on this search. However, the evidence from the literature, in combination with allele frequency data from public databases where available, was not sufficient to rule this variant in or out of causing disease. Therefore, this variant is classified as a variant of unknown significance.

Literature cited by the submitters: PubMed 23958653 (cited by Illumina Laboratory Services, Illumina).